The following is an entry in ClinVar:

NM_170707.4(LMNA):c.1510del (p.Ala504fs)

Gene: LMNA (lamin A/C; plus strand). Cytogenetic location: 1q22.
Variant type: Deletion.
Coding change: c.1510del on transcript NM_170707.4 (MANE Select); coding-DNA position 1510, one base deleted (G; older notation c.1510delG).
Protein change: p.Ala504fs; shifts the reading frame from alanine 504.
Molecular consequence: frameshift variant.
Genome position (GRCh38, 1-based): chr1:156,137,134, G deleted; the last of 4 consecutive G bases (chr1:156,137,131-156,137,134); deleting any one gives the same sequence. VCF-style (leftmost placement, unchanged base first): chr1-156137130-TG-T. GRCh37 (hg19) VCF-style: chr1-156106921-TG-T.
Other names: c.1174del, p.Ala392fs (NM_001257374.3); c.1267del, p.Ala423fs (NM_001282624.2); c.1510del, p.Ala504fs (NM_001282625.2, NM_001282626.2, NM_005572.4 and 1 more transcripts); short protein forms A504fs, A392fs, A423fs.
Identifiers: ClinVar variation 817686 (VCV000817686.6), dbSNP rs1572366216, ClinGen allele CA915941465.

ClinVar aggregate classification (germline): Pathogenic/Likely pathogenic. Review status: criteria provided, multiple submitters, no conflicts (2 of 4 stars). 2 submissions from 2 submitters: Pathogenic (1); Likely pathogenic (1). Last evaluated 2024-06-13.

Conditions:
Charcot-Marie-Tooth disease type 2. Also called: Charcot-Marie-Tooth type 2. Identifiers: Orphanet 64746, MedGen C0270914, MONDO:0018993.

Submissions (2):

Labcorp Genetics (formerly Invitae), Labcorp
Classification: Pathogenic for Charcot-Marie-Tooth disease type 2. Last evaluated: 2024-06-13. Review status: criteria provided, single submitter. Criteria: Invitae Variant Classification Sherloc (09022015). Collection method: clinical testing. Allele origin: germline.
Comment: This sequence change creates a premature translational stop signal (p.Ala504Profs*44) in the LMNA gene. It is expected to result in an absent or disrupted protein product. Loss-of-function variants in LMNA are known to be pathogenic (PMID: 18585512, 18926329). This variant is not present in population databases (gnomAD no frequency). This variant has not been reported in the literature in individuals affected with LMNA-related conditions. ClinVar contains an entry for this variant (Variation ID: 817686). For these reasons, this variant has been classified as Pathogenic.

GeneDx
Classification: Likely pathogenic. Last evaluated: 2018-06-04. Review status: criteria provided, single submitter. Criteria: GeneDx Variant Classification (06012015). Collection method: clinical testing. Allele origin: germline. Affected: yes.
Comment: A variant that is likely pathogenic has been identified in the LMNA gene. The c.1510delG variant has not been published as a pathogenic variant, nor has it been reported as a benign variant to our knowledge. The c.1510delG variant is not observed in large population cohorts (Lek et al., 2016). The e c.1510delG variant causes a frameshift starting with codon Alanine 504, changes this amino acid to a Proline residue and creates a premature Stop codon at position 44 of the new reading frame, denoted p.Ala504ProfsX44. This pathogenic variant is predicted to cause loss of normal protein function either through protein truncation or nonsense-mediated mRNA decay. Therefore, this variant is likely pathogenic; however, the possibility that it is benign cannot be excluded.

Literature cited by the submitters: PubMed 18585512 (cited by Labcorp Genetics (formerly Invitae), Labcorp); PubMed 18926329 (cited by Labcorp Genetics (formerly Invitae), Labcorp).